The following is an entry in ClinVar:

NM_001256012.3(MYH10):c.4524G>A (p.Glu1508=)

Gene: MYH10 (myosin heavy chain 10; minus strand). Cytogenetic location: 17p13.1.
Variant type: single nucleotide variant.
Coding change: c.4524G>A on transcript NM_001256012.3 (MANE Select); coding-DNA position 4524, G replaced by A.
Protein change: p.Glu1508=; no amino-acid change (glutamic acid 1508 retained).
Molecular consequence: synonymous variant.
Genome position (GRCh38, 1-based): chr17:8,492,444, C>T on the plus strand (G>A on the coding strand, the complement: MYH10 is on the minus strand). VCF-style: chr17-8492444-C-T. GRCh37 (hg19) VCF-style: chr17-8395762-C-T.
Other names: c.4458G>A, p.Glu1486= (NM_001256095.2); c.4461G>A, p.Glu1487= (NM_001375266.1); c.4431G>A, p.Glu1477= (NM_005964.5).
Identifiers: ClinVar variation 3352703 (VCV003352703.1).

ClinVar aggregate classification (germline): Likely benign (0 of 4 stars; one submission).

Conditions:
MYH10-related disorder. Also called: MYH10-related condition.

gnomAD v4.1: 33 of 1,612,750 alleles (0.002%); highest among the groups gnomAD compares: Non-Finnish European, 0.0027%; no homozygotes.

Submission:

PreventionGenetics, part of Exact Sciences
Classification: Likely benign for MYH10-related condition. Last evaluated: 2019-05-20. Review status: no assertion criteria provided. Collection method: clinical testing. Allele origin: germline.
Comment: This variant is classified as likely benign based on ACMG/AMP sequence variant interpretation guidelines (Richards et al. 2015 PMID: 25741868, with internal and published modifications).